The following is an entry in ClinVar:

ClinVar aggregate classification (germline): Uncertain significance (1 of 4 stars; one submission).

Conditions:
Compton-North congenital myopathy (CMYO12). Identifiers: Orphanet 210163, MedGen C2675527, MONDO:0012929, OMIM 612540.

Allele frequency attached by ClinVar (database versions not stated): ExAC 0.00001; gnomAD exomes 0.00001.
gnomAD v4.1: 13 of 1,613,956 alleles (0.00081%); highest among the groups gnomAD compares: Non-Finnish European, 0.0011%; no homozygotes.

Submission:

Labcorp Genetics (formerly Invitae), Labcorp
Classification: Uncertain significance for Compton-North congenital myopathy. Last evaluated: 2021-08-07. Review status: criteria provided, single submitter. Criteria: Invitae Variant Classification Sherloc (09022015). Collection method: clinical testing. Allele origin: germline.
Comment: In summary, the available evidence is currently insufficient to determine the role of this variant in disease. Therefore, it has been classified as a Variant of Uncertain Significance. Advanced modeling of protein sequence and biophysical properties (such as structural, functional, and spatial information, amino acid conservation, physicochemical variation, residue mobility, and thermodynamic stability) performed at Invitae indicates that this missense variant is not expected to disrupt CNTN1 protein function. This variant has not been reported in the literature in individuals affected with CNTN1-related conditions. This variant is present in population databases (rs771084573, ExAC 0.001%). This sequence change replaces proline with serine at codon 1000 of the CNTN1 protein (p.Pro1000Ser). The proline residue is weakly conserved and there is a moderate physicochemical difference between proline and serine.

NM_001843.4(CNTN1):c.2998C>T (p.Pro1000Ser)

Gene: CNTN1 (contactin 1; plus strand). Cytogenetic location: 12q12.
Variant type: single nucleotide variant.
Coding change: c.2998C>T on transcript NM_001843.4 (MANE Select); coding-DNA position 2998, C replaced by T.
Protein change: p.Pro1000Ser; replaces proline 1000 with serine.
Molecular consequence: missense variant.
Genome position (GRCh38, 1-based): chr12:41,069,976, C>T. VCF-style: chr12-41069976-C-T. GRCh37 (hg19) VCF-style: chr12-41463778-C-T.
Other names: c.2965C>T, p.Pro989Ser (NM_175038.2); short protein forms P989S, P1000S.
Identifiers: ClinVar variation 1506432 (VCV001506432.4), dbSNP rs771084573, ClinGen allele CA6517288.